The following is an entry in ClinVar:

NM_001040716.2(PC):c.2623C>T (p.His875Tyr)

Gene: PC (pyruvate carboxylase; minus strand). Cytogenetic location: 11q13.2.
Variant type: single nucleotide variant.
Coding change: c.2623C>T on transcript NM_001040716.2 (MANE Select); coding-DNA position 2623, C replaced by T.
Protein change: p.His875Tyr; replaces histidine 875 with tyrosine.
Molecular consequence: missense variant.
Genome position (GRCh38, 1-based): chr11:66,850,315, G>A on the plus strand (C>T on the coding strand, the complement: PC is on the minus strand). VCF-style: chr11-66850315-G-A. GRCh37 (hg19) VCF-style: chr11-66617786-G-A.
Other names: c.2623C>T, p.His875Tyr (NM_000920.4, NM_022172.3); short protein forms H875Y.
Identifiers: ClinVar variation 2090362 (VCV002090362.1), dbSNP rs2495424296, ClinGen allele CA381492558.

ClinVar aggregate classification (germline): Uncertain significance (1 of 4 stars; one submission).

Conditions:
Pyruvate carboxylase deficiency. Also called: Pyruvate Carboxylase Deficiency Disease; ATAXIA WITH LACTIC ACIDOSIS II; LEIGH NECROTIZING ENCEPHALOPATHY DUE TO PYRUVATE CARBOXYLASE DEFICIENCY; LEIGH SYNDROME DUE TO PYRUVATE CARBOXYLASE DEFICIENCY; PC DEFICIENCY. Identifiers: Orphanet 3008, MedGen C0034341, MONDO:0009949, OMIM 266150.

Submission:

Labcorp Genetics (formerly Invitae), Labcorp
Classification: Uncertain significance for Pyruvate carboxylase deficiency. Last evaluated: 2022-01-27. Review status: criteria provided, single submitter. Criteria: Invitae Variant Classification Sherloc (09022015). Collection method: clinical testing. Allele origin: germline.
Comment: This sequence change replaces histidine, which is basic and polar, with tyrosine, which is neutral and polar, at codon 875 of the PC protein (p.His875Tyr). This variant is not present in population databases (gnomAD no frequency). This variant has not been reported in the literature in individuals affected with PC-related conditions. Algorithms developed to predict the effect of missense changes on protein structure and function (SIFT, PolyPhen-2, Align-GVGD) all suggest that this variant is likely to be tolerated. In summary, the available evidence is currently insufficient to determine the role of this variant in disease. Therefore, it has been classified as a Variant of Uncertain Significance.